The following is an entry in ClinVar:

ClinVar aggregate classification (germline): Conflicting classifications of pathogenicity. Review status: criteria provided, conflicting classifications (1 of 4 stars). 3 submissions from 3 submitters: Likely pathogenic (2); Uncertain significance (1). Last evaluated 2025-06-22.

Conditions:
Familial hemiplegic migraine. Identifiers: MedGen C0338484, MONDO:0000700.
Migraine, familial hemiplegic, 2. Identifiers: Orphanet 569, MedGen C1865322, MONDO:0011232, OMIM 602481.

Allele frequency attached by ClinVar (database versions not stated): gnomAD exomes below 0.00001.
gnomAD v4.1: 1 of 1,614,196 alleles (0.000062%); highest among the groups gnomAD compares: Non-Finnish European, 0.000085%; no homozygotes.

Submissions (3):

Labcorp Genetics (formerly Invitae), Labcorp
Classification: Likely pathogenic for Familial hemiplegic migraine. Last evaluated: 2025-06-22. Review status: criteria provided, single submitter. Criteria: Invitae Variant Classification Sherloc (09022015). Collection method: clinical testing. Allele origin: germline.
Comment: This sequence change replaces glycine, which is neutral and non-polar, with serine, which is neutral and polar, at codon 874 of the ATP1A2 protein (p.Gly874Ser). This variant is not present in population databases (gnomAD no frequency). This missense change has been observed in individuals with clinical features of familial hemiplegic migraine (PMID: 23918834; internal data). It has also been observed to segregate with disease in related individuals. ClinVar contains an entry for this variant (Variation ID: 932528). Invitae Evidence Modeling of protein sequence and biophysical properties (such as structural, functional, and spatial information, amino acid conservation, physicochemical variation, residue mobility, and thermodynamic stability) has been performed for this missense variant. However, the output from this modeling did not meet the statistical confidence thresholds required to predict the impact of this variant on ATP1A2 protein function. In summary, the currently available evidence indicates that the variant is pathogenic, but additional data are needed to prove that conclusively. Therefore, this variant has been classified as Likely Pathogenic.

Genomic Medicine Center of Excellence, King Faisal Specialist Hospital and Research Centre
Classification: Uncertain significance for Migraine, familial hemiplegic, 2. Last evaluated: 2024-03-29. Review status: criteria provided, single submitter. Criteria: ACMG Guidelines, 2015. Collection method: clinical testing. Allele origin: germline.

CeGaT Center for Human Genetics Tuebingen
Classification: Likely pathogenic. Last evaluated: 2020-08-01. Review status: criteria provided, single submitter. Criteria: CeGaT Center For Human Genetics Tuebingen Variant Classification Criteria Version 2. Collection method: clinical testing. Allele origin: germline. Affected: yes. Observed: 2 variant alleles.

Literature cited by the submitters: PubMed 23918834 (cited by Labcorp Genetics (formerly Invitae), Labcorp).

NM_000702.4(ATP1A2):c.2620G>A (p.Gly874Ser)

Gene: ATP1A2 (ATPase Na+/K+ transporting subunit alpha 2; plus strand). Cytogenetic location: 1q23.2.
Variant type: single nucleotide variant.
Coding change: c.2620G>A on transcript NM_000702.4 (MANE Select); coding-DNA position 2620, G replaced by A.
Protein change: p.Gly874Ser; replaces glycine 874 with serine.
Molecular consequence: missense variant.
Genome position (GRCh38, 1-based): chr1:160,136,626, G>A. VCF-style: chr1-160136626-G-A. GRCh37 (hg19) VCF-style: chr1-160106416-G-A.
Other names: short protein forms G874S.
Identifiers: ClinVar variation 932528 (VCV000932528.41), dbSNP rs1651959213, ClinGen allele CA343252016.